The following is an entry in ClinVar:

ClinVar aggregate classification (germline): Uncertain significance (1 of 4 stars; one submission).

Conditions:
Hypertrophic cardiomyopathy 2. Also called: TNNT2-Related Familial Hypertrophic Cardiomyopathy. Identifiers: MedGen C1861864, MONDO:0007266, OMIM 115195.
Cardiomyopathy, familial restrictive, 3. Identifiers: Orphanet 75249, MedGen C2676271, MONDO:0012900, OMIM 612422.
Dilated cardiomyopathy 1D. Identifiers: Orphanet 154, Orphanet 54260, MedGen C1832243, MONDO:0011095, OMIM 601494.

Submission:

Labcorp Genetics (formerly Invitae), Labcorp
Classification: Uncertain significance for Cardiomyopathy, familial restrictive, 3; Hypertrophic cardiomyopathy 2; Dilated cardiomyopathy 1D. Last evaluated: 2022-03-18. Review status: criteria provided, single submitter. Criteria: Invitae Variant Classification Sherloc (09022015). Collection method: clinical testing. Allele origin: germline.
Comment: This sequence change falls in intron 14 of the TNNT2 gene. It does not directly change the encoded amino acid sequence of the TNNT2 protein. This variant is not present in population databases (gnomAD no frequency). This variant has not been reported in the literature in individuals affected with TNNT2-related conditions. Algorithms developed to predict the effect of sequence changes on RNA splicing suggest that this variant may create or strengthen a splice site. In summary, the available evidence is currently insufficient to determine the role of this variant in disease. Therefore, it has been classified as a Variant of Uncertain Significance.

NM_001276345.2(TNNT2):c.811-11T>G

Gene: TNNT2 (troponin T2, cardiac type; minus strand). Cytogenetic location: 1q32.1.
Variant type: single nucleotide variant.
Coding change: c.811-11T>G on transcript NM_001276345.2 (MANE Select); 11 bases into the intron before coding-DNA position 811, T replaced by G.
Molecular consequence: intron variant.
Genome position (GRCh38, 1-based): chr1:201,359,674, A>C on the plus strand (T>G on the coding strand, the complement: TNNT2 is on the minus strand). VCF-style: chr1-201359674-A-C. GRCh37 (hg19) VCF-style: chr1-201328802-A-C.
Other names: c.763-11T>G (NM_001001432.3); c.772-11T>G (NM_001001431.3); c.781-11T>G (NM_001001430.3, NM_001276347.2); c.682-11T>G (NM_001276346.2); c.802-11T>G (NM_000364.4).
Identifiers: ClinVar variation 2148180 (VCV002148180.4), dbSNP rs2526892605, ClinGen allele CA2580061889.